The following is an entry in ClinVar:

ClinVar aggregate classification (germline): Uncertain significance (1 of 4 stars; one submission).

gnomAD v4.1: 4 of 1,613,968 alleles (0.00025%); highest among the groups gnomAD compares: Non-Finnish European, 0.00025%; no homozygotes.

Submission:

GeneDx
Classification: Uncertain significance. Last evaluated: 2025-03-02. Review status: criteria provided, single submitter. Criteria: GeneDx Variant Classification Process June 2021. Collection method: clinical testing. Allele origin: germline. Affected: yes.
Comment: Not observed at significant frequency in large population cohorts (gnomAD); In silico analysis indicates that this missense variant does not alter protein structure/function; Has not been previously published as pathogenic or benign to our knowledge

NM_014806.5(RUSC2):c.1933C>G (p.Gln645Glu)

Gene: RUSC2 (RUN and SH3 domain containing 2; plus strand). Cytogenetic location: 9p13.3.
Variant type: single nucleotide variant.
Coding change: c.1933C>G on transcript NM_014806.5 (MANE Select); coding-DNA position 1933, C replaced by G.
Protein change: p.Gln645Glu; replaces glutamine 645 with glutamic acid.
Molecular consequence: missense variant. On other transcripts: intron variant (1).
Genome position (GRCh38, 1-based): chr9:35,548,454, C>G. VCF-style: chr9-35548454-C-G. GRCh37 (hg19) VCF-style: chr9-35548451-C-G.
Other names: c.1933C>G, p.Gln645Glu (NM_001135999.2); c.-620-6606C>G (NM_001330740.2); short protein forms Q645E.
Identifiers: ClinVar variation 4082807 (VCV004082807.1).